The following is an entry in ClinVar:

NM_000465.4(BARD1):c.1883G>A (p.Cys628Tyr)

Gene: BARD1 (BRCA1 associated RING domain 1; minus strand). Cytogenetic location: 2q35.
Variant type: single nucleotide variant.
Coding change: c.1883G>A on transcript NM_000465.4 (MANE Select); coding-DNA position 1883, G replaced by A.
Protein change: p.Cys628Tyr; replaces cysteine 628 with tyrosine.
Molecular consequence: missense variant. On other transcripts: non-coding transcript variant (3), intron variant (1).
Genome position (GRCh38, 1-based): chr2:214,745,087, C>T on the plus strand (G>A on the coding strand, the complement: BARD1 is on the minus strand). VCF-style: chr2-214745087-C-T. GRCh37 (hg19) VCF-style: chr2-215609811-C-T.
Other names: c.1826G>A, p.Cys609Tyr (NM_001282543.2); c.530G>A, p.Cys177Tyr (NM_001282545.2); c.473G>A, p.Cys158Tyr (NM_001282548.2); c.365-14579G>A (NM_001282549.2); short protein forms C628Y, C177Y, C158Y, C609Y.
Identifiers: ClinVar variation 580468 (VCV000580468.17), dbSNP rs1227794803, ClinGen allele CA350452088.

ClinVar aggregate classification (germline): Uncertain significance. Review status: criteria provided, multiple submitters, no conflicts (2 of 4 stars). 4 submissions from 4 submitters: Uncertain significance (4). Last evaluated 2025-09-29.

Conditions:
Hereditary cancer-predisposing syndrome. Also called: Neoplastic Syndromes, Hereditary; Tumor predisposition; Hereditary neoplastic syndrome; Hereditary Cancer Syndrome. Identifiers: Orphanet 140162, MedGen C0027672, MeSH D009386, MONDO:0015356.
Familial cancer of breast. Also called: BREAST CANCER, FAMILIAL; hereditary breast carcinoma; Hereditary breast cancer. Identifiers: Orphanet 227535, MedGen C0346153, MONDO:0016419, OMIM 114480. Disease mechanism: loss of function.

gnomAD v4.1: 3 of 1,613,894 alleles (0.00019%); highest among the groups gnomAD compares: Non-Finnish European, 0.00025%; no homozygotes.

Submissions (4):

Labcorp Genetics (formerly Invitae), Labcorp
Classification: Uncertain significance for Familial cancer of breast. Last evaluated: 2025-09-29. Review status: criteria provided, single submitter. Criteria: Invitae Variant Classification Sherloc (09022015). Collection method: clinical testing. Allele origin: germline.
Comment: This sequence change replaces cysteine, which is neutral and slightly polar, with tyrosine, which is neutral and polar, at codon 628 of the BARD1 protein (p.Cys628Tyr). This variant is not present in population databases (gnomAD no frequency). This variant has not been reported in the literature in individuals affected with BARD1-related conditions. ClinVar contains an entry for this variant (Variation ID: 580468). An algorithm developed to predict the effect of missense changes on protein structure and function (PolyPhen-2) suggests that this variant is likely to be disruptive. In summary, the available evidence is currently insufficient to determine the role of this variant in disease. Therefore, it has been classified as a Variant of Uncertain Significance.

Ambry Genetics
Classification: Uncertain significance for Hereditary cancer-predisposing syndrome. Last evaluated: 2025-07-17. Review status: criteria provided, single submitter. Criteria: Ambry Variant Classification Scheme 2023. Collection method: clinical testing. Allele origin: germline.
Comment: The p.C628Y variant (also known as c.1883G>A), located in coding exon 9 of the BARD1 gene, results from a G to A substitution at nucleotide position 1883. The cysteine at codon 628 is replaced by tyrosine, an amino acid with highly dissimilar properties. This amino acid position is highly conserved in available vertebrate species. In addition, the in silico prediction for this alteration is inconclusive. Since supporting evidence is limited at this time, the clinical significance of this alteration remains unclear.

Color Diagnostics, LLC DBA Color Health
Classification: Uncertain significance for Hereditary cancer-predisposing syndrome. Last evaluated: 2019-07-26. Review status: criteria provided, single submitter. Criteria: ACMG Guidelines, 2015. Collection method: clinical testing. Allele origin: germline.
Comment: This missense variant replaces cysteine with tyrosine at codon 628 of the BARD1 protein. Computational prediction tools and conservation analyses suggest that this variant may have deleterious impact on the protein function. Computational splicing tools suggest that this variant may not impact RNA splicing. To our knowledge, functional assays have not been performed for this variant nor has this variant been reported in individuals affected with hereditary cancer in the literature. This variant has not been identified in the general population by the Genome Aggregation Database (gnomAD). Available evidence is insufficient to determine the role of this variant in disease conclusively. Therefore, this variant is classified as a Variant of Uncertain Significance.

Women's Health and Genetics/Laboratory Corporation of America, LabCorp
Classification: Uncertain significance. Last evaluated: 2017-11-20. Review status: criteria provided, single submitter. Criteria: LabCorp Variant Classification Summary - May 2015. Collection method: clinical testing. Allele origin: germline.
Comment: Variant summary: The BARD1 c.1883G>A (p.Cys628Tyr) variant involves the alteration of a conserved nucleotide. 5/5 in silico tools predict a damaging outcome for this variant. This variant is absent in 245984 control chromosomes. The variant of interest has not, to our knowledge, been reported in affected individuals via publications and/or reputable databases/clinical diagnostic laboratories; nor evaluated for functional impact by in vivo/vitro studies. Because of the absence of clinical information and the lack of functional studies, the variant is classified as a variant of uncertain significance (VUS) until additional information becomes available.